The following is an entry in ClinVar:

NM_005670.4(EPM2A):c.304A>G (p.Asn102Asp)

Gene: EPM2A (EPM2A glucan phosphatase, laforin; minus strand). Cytogenetic location: 6q24.3.
Variant type: single nucleotide variant.
Coding change: c.304A>G on transcript NM_005670.4 (MANE Select); coding-DNA position 304, A replaced by G.
Protein change: p.Asn102Asp; replaces asparagine 102 with aspartic acid.
Molecular consequence: missense variant. On other transcripts: 5 prime UTR variant (5), non-coding transcript variant (1).
Genome position (GRCh38, 1-based): chr6:145,686,294, T>C on the plus strand (A>G on the coding strand, the complement: EPM2A is on the minus strand). VCF-style: chr6-145686294-T-C. GRCh37 (hg19) VCF-style: chr6-146007430-T-C.
Other names: c.304A>G, p.Asn102Asp (NM_001018041.2, NM_001360057.2, NM_001368130.1); c.-111A>G (NM_001360064.2, NM_001360071.2, NM_001368131.1); c.-320A>G (NM_001368129.2, NM_001368132.1); short protein forms N102D.
Identifiers: ClinVar variation 660550 (VCV000660550.11), dbSNP rs376750373, ClinGen allele CA4035190.
Genomic context (GRCh38, chr6:145,686,294, plus strand): 5'-ACACACCATCCACCAAGTTGTTTTCATTGTAAGTACAGCAACGGTCATGATGAGGTCCAT[T>C]GCCTAGAACAAGAAAAAATGATAAACAGAGCAATTAAATCAGTGTTTTGTTTAAATATCC-3'
Protein context (NP_005661.1, residues 92-112): EPGGELSWEG[Asn102Asp]GPHHDRCCTY

ClinVar aggregate classification (germline): Uncertain significance. Review status: criteria provided, multiple submitters, no conflicts (2 of 4 stars). 3 submissions from 3 submitters: Uncertain significance (3). Last evaluated 2024-11-13.

Conditions:
Progressive myoclonic epilepsy. Also called: Familial progressive myoclonic epilepsy; Myoclonic Epilepsies, Progressive; Myoclonus epilepsy; Progressive myoclonus epilepsy. Identifiers: Orphanet 308, Orphanet 98261, MedGen C0751778, MONDO:0020074.
Inborn genetic diseases. Identifiers: MedGen C0950123, MeSH D030342.

Allele frequency attached by ClinVar (database versions not stated): gnomAD exomes below 0.00001 and 0.00002; ExAC 0.00002; gnomAD 0.00005 and 0.00006; TOPMed 0.00005; ESP Exome Variant Server 0.00008.
gnomAD v4.1: 15 of 1,613,150 alleles (0.00093%); highest among the groups gnomAD compares: African/African-American, 0.012%; no homozygotes.

Submissions (3):

Ambry Genetics
Classification: Uncertain significance for Inborn genetic diseases. Last evaluated: 2024-11-13. Review status: criteria provided, single submitter. Criteria: Ambry Variant Classification Scheme 2023. Collection method: clinical testing. Allele origin: germline.

GeneDx
Classification: Uncertain significance. Last evaluated: 2022-08-01. Review status: criteria provided, single submitter. Criteria: GeneDx Variant Classification Process June 2021. Collection method: clinical testing. Allele origin: germline. Affected: yes.
Comment: Not observed at a significant frequency in large population cohorts (gnomAD); In silico analysis supports that this missense variant does not alter protein structure/function; Has not been previously published as pathogenic or benign to our knowledge

Labcorp Genetics (formerly Invitae), Labcorp
Classification: Uncertain significance for Progressive myoclonic epilepsy. Last evaluated: 2022-07-05. Review status: criteria provided, single submitter. Criteria: Invitae Variant Classification Sherloc (09022015). Collection method: clinical testing. Allele origin: germline.
Comment: This sequence change replaces asparagine, which is neutral and polar, with aspartic acid, which is acidic and polar, at codon 102 of the EPM2A protein (p.Asn102Asp). This variant is present in population databases (rs376750373, gnomAD 0.009%). This variant has not been reported in the literature in individuals affected with EPM2A-related conditions. ClinVar contains an entry for this variant (Variation ID: 660550). Algorithms developed to predict the effect of missense changes on protein structure and function are either unavailable or do not agree on the potential impact of this missense change (SIFT: "Deleterious"; PolyPhen-2: "Benign"; Align-GVGD: "Class C0"). In summary, the available evidence is currently insufficient to determine the role of this variant in disease. Therefore, it has been classified as a Variant of Uncertain Significance.